The following is an entry in ClinVar:

ClinVar aggregate classification (germline): Likely benign. Review status: criteria provided, multiple submitters, no conflicts (2 of 4 stars). 3 submissions from 3 submitters: Likely benign (2). 1 of the submissions does not count toward it. Last evaluated 2024-10-09.

Conditions:
RP1L1-related disorder. Also called: RP1L1-related condition.
Occult macular dystrophy (OCMD). Also called: OMD; OCCULT MACULAR DYSTROPHY, SUSCEPTIBILITY TO. Identifiers: Orphanet 247834, MedGen C3150833, MONDO:0013316, OMIM 613587, HP:0030636.

Allele frequency attached by ClinVar (database versions not stated): ExAC 0.00009; gnomAD 0.00010 and 0.00011; gnomAD exomes 0.00010 and 0.00012; TOPMed 0.00010; ESP Exome Variant Server 0.00017.
gnomAD v4.1: 157 of 1,611,734 alleles (0.0097%); highest among the groups gnomAD compares: Admixed American, 0.023%; no homozygotes.

Submissions (3):

Blueprint Genetics
Classification: Likely benign. Last evaluated: 2024-10-09. Review status: criteria provided, single submitter. Criteria: ACMG Guidelines, 2015. Collection method: clinical testing. Allele origin: germline.

Illumina Laboratory Services, Illumina
Classification: Likely benign for Occult macular dystrophy. Last evaluated: 2018-01-12. Review status: criteria provided, single submitter. Criteria: ICSL Variant Classification Criteria 13 December 2019. Collection method: clinical testing. Allele origin: germline.
Comment: This variant was observed in the ICSL laboratory as part of a predisposition screen in an ostensibly healthy population. It had not been previously curated by ICSL or reported in the Human Gene Mutation Database (HGMD: prior to June 1st, 2018), and was therefore a candidate for classification through an automated scoring system. Utilizing variant allele frequency, disease prevalence and penetrance estimates, and inheritance mode, an automated score was calculated to assess if this variant is too frequent to cause the disease. Based on the score and internal cut-off values, a variant classified as likely benign is not then subjected to further curation. The score for this variant resulted in a classification of likely benign for this disease.

PreventionGenetics, part of Exact Sciences
Classification: Likely benign for RP1L1-related condition. Last evaluated: 2024-09-10. Review status: no assertion criteria provided. Collection method: clinical testing. Allele origin: germline. Not counted in ClinVar's aggregate classification.
Comment: This variant is classified as likely benign based on ACMG/AMP sequence variant interpretation guidelines (Richards et al. 2015 PMID: 25741868, with internal and published modifications).

NM_178857.6(RP1L1):c.2751G>A (p.Ala917=)

Gene: RP1L1 (RP1 like 1). Cytogenetic location: 8p23.1.
Variant type: single nucleotide variant.
Coding change: c.2751G>A on transcript NM_178857.6 (MANE Select); coding-DNA position 2751, G replaced by A.
Protein change: p.Ala917=; no amino-acid change (alanine 917 retained).
Molecular consequence: synonymous variant.
Genome position (GRCh38, 1-based): chr8:10,611,347, C>T on the plus strand (G>A on the coding strand, the complement: RP1L1 is on the minus strand). VCF-style: chr8-10611347-C-T. GRCh37 (hg19) VCF-style: chr8-10468857-C-T.
Identifiers: ClinVar variation 361335 (VCV000361335.7), dbSNP rs373883834, ClinGen allele CA4624722.